The following is an entry in ClinVar:

NM_003846.3(PEX11B):c.61G>T (p.Ala21Ser)

Gene: PEX11B (peroxisomal biogenesis factor 11 beta; minus strand). Cytogenetic location: 1q21.1.
Variant type: single nucleotide variant.
Coding change: c.61G>T on transcript NM_003846.3 (MANE Select); coding-DNA position 61, G replaced by T.
Protein change: p.Ala21Ser; replaces alanine 21 with serine.
Molecular consequence: missense variant. On other transcripts: non-coding transcript variant (2).
Genome position (GRCh38, 1-based): chr1:145,917,812, C>A on the plus strand (G>T on the coding strand, the complement: PEX11B is on the minus strand). VCF-style: chr1-145917812-C-A. GRCh37 (hg19) VCF-style: chr1-145517277-G-T.
Other names: c.19G>T, p.Ala7Ser (NM_001184795.1); c.61G>T (NM_003846.2); short protein forms A21S, A7S.
Identifiers: ClinVar variation 596032 (VCV000596032.11), dbSNP rs144931265, ClinGen allele CA1055495.

ClinVar aggregate classification (germline): Uncertain significance. Review status: criteria provided, multiple submitters, no conflicts (2 of 4 stars). 3 submissions from 3 submitters: Uncertain significance (3). Last evaluated 2025-05-25.

Conditions:
Inborn genetic diseases. Identifiers: MedGen C0950123, MeSH D030342.

Allele frequency attached by ClinVar (database versions not stated): 1000 Genomes Project 30x 0.00016; 1000 Genomes Project 0.00020; TOPMed 0.00006.
gnomAD v4.1: 27 of 1,609,534 alleles (0.0017%); highest among the groups gnomAD compares: East Asian, 0.031%; no homozygotes.

Submissions (3):

Ambry Genetics
Classification: Uncertain significance for Inborn genetic diseases. Last evaluated: 2025-05-25. Review status: criteria provided, single submitter. Criteria: Ambry Variant Classification Scheme 2023. Collection method: clinical testing. Allele origin: germline.

Labcorp Genetics (formerly Invitae), Labcorp
Classification: Uncertain significance. Last evaluated: 2021-12-02. Review status: criteria provided, single submitter. Criteria: Invitae Variant Classification Sherloc (09022015). Collection method: clinical testing. Allele origin: germline.
Comment: This sequence change replaces alanine, which is neutral and non-polar, with serine, which is neutral and polar, at codon 21 of the PEX11B protein (p.Ala21Ser). This variant is present in population databases (rs144931265, gnomAD 0.06%). This variant has not been reported in the literature in individuals affected with PEX11B-related conditions. ClinVar contains an entry for this variant (Variation ID: 596032). Algorithms developed to predict the effect of missense changes on protein structure and function are either unavailable or do not agree on the potential impact of this missense change (SIFT: "Tolerated"; PolyPhen-2: "Probably Damaging"; Align-GVGD: "Class C15"). In summary, the available evidence is currently insufficient to determine the role of this variant in disease. Therefore, it has been classified as a Variant of Uncertain Significance.

Eurofins Ntd Llc (ga)
Classification: Uncertain significance. Last evaluated: 2018-02-06. Review status: criteria provided, single submitter. Criteria: EGL Classification Definitions 2015. Collection method: clinical testing. Allele origin: germline. Observed: 1 variant allele, 1 heterozygote.